The following is an entry in ClinVar:

ClinVar aggregate classification (germline): Pathogenic. Review status: criteria provided, multiple submitters, no conflicts (2 of 4 stars). 2 submissions from 2 submitters: Pathogenic (2). Last evaluated 2026-03-12.

Conditions:
Pancreatic cancer, susceptibility to, 4. Identifiers: Orphanet 1333, MedGen C3280442, MONDO:0013685, OMIM 614320.
Breast-ovarian cancer, familial, susceptibility to, 1 (BROVCA1). Also called: BRCA1 Hereditary Breast and Ovarian Cancer; OVARIAN CANCER, SUSCEPTIBILITY TO. Identifiers: Orphanet 145, MedGen C2676676, MONDO:0011450, OMIM 604370. Disease mechanism: loss of function.

Submissions (2):

Institute of Immunology and Genetics Kaiserslautern
Classification: Pathogenic for Breast-ovarian cancer, familial, susceptibility to, 1; Pancreatic cancer, susceptibility to, 4. Last evaluated: 2026-03-12. Review status: criteria provided, single submitter. Criteria: ACMG Guidelines, 2015. Collection method: clinical testing. Allele origin: germline.
Comment: ACMG Criteria: PVS1, PM2; Variant was found in heterozygous state.

Clinical Genetics Laboratory, Skane University Hospital Lund
Classification: Pathogenic. Last evaluated: 2022-09-14. Review status: criteria provided, single submitter. Criteria: ACMG Guidelines, 2015. Collection method: clinical testing. Allele origin: germline. Affected: yes.

NM_007294.4(BRCA1):c.5167_5168del (p.Ser1722_Ile1723insTer)

Gene: BRCA1 (BRCA1 DNA repair associated; minus strand). Cytogenetic location: 17q21.31.
Variant type: Deletion.
Coding change: c.5167_5168del on transcript NM_007294.4 (MANE Select); coding-DNA positions 5167 to 5168, 2 bases deleted (AT; older notation c.5167_5168delAT).
Protein change: p.Ser1722_Ile1723insTer.
Molecular consequence: nonsense.
Genome position (GRCh38, 1-based): chr17:43,063,358-43,063,359, AT deleted on the plus strand (AT on the coding strand, the reverse complement: BRCA1 is on the minus strand); deleting any 2 consecutive bases within chr17:43,063,358-43,063,360 gives the same sequence; the c. name uses the placement nearest the transcript's 3' end. VCF-style (leftmost placement, unchanged base first): chr17-43063357-AAT-A. GRCh37 (hg19) VCF-style: chr17-41215374-AAT-A.
Other names: c.4954_4955del, p.Ser1651_Ile1652insTer (NM_001407571.1, NM_001407894.1, NM_001407895.1 and 12 more transcripts); c.5233_5234del, p.Ser1744_Ile1745insTer (NM_001407581.1, NM_001407582.1); c.5230_5231del, p.Ser1743_Ile1744insTer (NM_001407583.1, NM_001407585.1, NM_001407587.1 and 1 more transcripts); c.5227_5228del, p.Ser1742_Ile1743insTer (NM_001407590.1, NM_001407591.1); c.5167_5168del, p.Ser1722_Ile1723insTer (NM_001407593.1, NM_001407594.1, NM_001407596.1 and 7 more transcripts); c.5164_5165del, p.Ser1721_Ile1722insTer (NM_001407610.1, NM_001407611.1, NM_001407612.1 and 17 more transcripts); c.5161_5162del, p.Ser1720_Ile1721insTer (NM_001407627.1, NM_001407628.1, NM_001407629.1 and 14 more transcripts); c.5158_5159del, p.Ser1719_Ile1720insTer (NM_001407644.1, NM_001407645.1); and 72 more.
Identifiers: ClinVar variation 3337582 (VCV003337582.2).